The following is an entry in ClinVar:

ClinVar aggregate classification (germline): Pathogenic (1 of 4 stars; one submission).

Conditions:
Hereditary breast ovarian cancer syndrome. Also called: Hereditary breast and ovarian cancer syndrome (HBOC); Breast and ovarian cancer; Hereditary breast and ovarian cancer syndrome; Hereditary breast and/or ovarian cancer syndrome; BRCA1- and BRCA2-Associated Hereditary Breast and Ovarian Cancer; Hereditary breast and ovarian cancer. Identifiers: Orphanet 145, MedGen C0677776, MeSH D061325, MONDO:0003582. Disease mechanism: loss of function.

Submission:

Labcorp Genetics (formerly Invitae), Labcorp
Classification: Pathogenic for Hereditary breast ovarian cancer syndrome. Last evaluated: 2021-12-17. Review status: criteria provided, single submitter. Criteria: Invitae Variant Classification Sherloc (09022015). Collection method: clinical testing. Allele origin: germline.
Comment: This variant has not been reported in the literature in individuals affected with BRCA2-related conditions. For these reasons, this variant has been classified as Pathogenic. This variant is not present in population databases (gnomAD no frequency). This sequence change creates a premature translational stop signal (p.Lys3163*) in the BRCA2 gene. It is expected to result in an absent or disrupted protein product. Loss-of-function variants in BRCA2 are known to be pathogenic (PMID: 20104584).

Literature cited by the submitters: PubMed 20104584.

NM_000059.4(BRCA2):c.9487A>T (p.Lys3163Ter)

Gene: BRCA2 (BRCA2 DNA repair associated; plus strand). Cytogenetic location: 13q13.1.
Variant type: single nucleotide variant.
Coding change: c.9487A>T on transcript NM_000059.4 (MANE Select); coding-DNA position 9487, A replaced by T.
Protein change: p.Lys3163Ter; replaces lysine 3163 with a stop codon.
Molecular consequence: nonsense.
Genome position (GRCh38, 1-based): chr13:32,394,919, A>T. VCF-style: chr13-32394919-A-T. GRCh37 (hg19) VCF-style: chr13-32969056-A-T.
Other names: short protein forms K3163*.
Identifiers: ClinVar variation 1418453 (VCV001418453.6), dbSNP rs2137654496, ClinGen allele CA387761842.